The following is an entry in ClinVar:

NM_017934.7(PHIP):c.4031C>T (p.Pro1344Leu)

Genes: IRAK1BP1 (interleukin 1 receptor associated kinase 1 binding protein 1; plus strand), PHIP (PHIP subunit of CUL4-Ring ligase complex; minus strand). Cytogenetic location: 6q14.1.
Variant type: single nucleotide variant.
Coding change: c.4031C>T on transcript NM_017934.7 (MANE Select); coding-DNA position 4031, C replaced by T.
Protein change: p.Pro1344Leu; replaces proline 1344 with leucine.
Molecular consequence: missense variant.
Genome position (GRCh38, 1-based): chr6:78,954,836, G>A on the plus strand (C>T on the coding strand, the complement: PHIP is on the minus strand). VCF-style: chr6-78954836-G-A. GRCh37 (hg19) VCF-style: chr6-79664553-G-A.
Other names: short protein forms P1344L.
Identifiers: ClinVar variation 1684132 (VCV001684132.5), dbSNP rs1290635325, ClinGen allele CA364642861.

ClinVar aggregate classification (germline): Uncertain significance. Review status: criteria provided, multiple submitters, no conflicts (2 of 4 stars). 2 submissions from 2 submitters: Uncertain significance (2). Last evaluated 2023-08-02.

gnomAD v4.1: 1 of 1,579,682 alleles (0.000063%); highest among the groups gnomAD compares: Non-Finnish European, 0.000086%; no homozygotes.

Submissions (2):

Labcorp Genetics (formerly Invitae), Labcorp
Classification: Uncertain significance. Last evaluated: 2023-08-02. Review status: criteria provided, single submitter. Criteria: Invitae Variant Classification Sherloc (09022015). Collection method: clinical testing. Allele origin: germline.
Comment: In summary, the available evidence is currently insufficient to determine the role of this variant in disease. Therefore, it has been classified as a Variant of Uncertain Significance. Advanced modeling of protein sequence and biophysical properties (such as structural, functional, and spatial information, amino acid conservation, physicochemical variation, residue mobility, and thermodynamic stability) performed at Invitae indicates that this missense variant is expected to disrupt PHIP protein function. ClinVar contains an entry for this variant (Variation ID: 1684132). This variant has not been reported in the literature in individuals affected with PHIP-related conditions. This variant is not present in population databases (gnomAD no frequency). This sequence change replaces proline, which is neutral and non-polar, with leucine, which is neutral and non-polar, at codon 1344 of the PHIP protein (p.Pro1344Leu).

GeneDx
Classification: Uncertain significance. Last evaluated: 2021-11-16. Review status: criteria provided, single submitter. Criteria: GeneDx Variant Classification Process June 2021. Collection method: clinical testing. Allele origin: germline. Affected: yes.
Comment: In silico analysis supports that this missense variant has a deleterious effect on protein structure/function; In-silico analysis is inconclusive as to whether the variant alters gene splicing. In the absence of RNA/functional studies, the actual effect of this sequence change is unknown; Has not been previously published as pathogenic or benign to our knowledge